The following is an entry in ClinVar:

NM_016363.5(GP6):c.610+2T>G

Gene: GP6 (glycoprotein VI platelet; minus strand). Cytogenetic location: 19q13.42.
Variant type: single nucleotide variant.
Coding change: c.610+2T>G on transcript NM_016363.5 (MANE Select); the canonical splice donor site of the intron after coding-DNA position 610, T replaced by G.
Molecular consequence: splice donor variant.
Genome position (GRCh38, 1-based): chr19:55,027,576, A>C on the plus strand (T>G on the coding strand, the complement: GP6 is on the minus strand). VCF-style: chr19-55027576-A-C. GRCh37 (hg19) VCF-style: chr19-55538944-A-C.
Other names: c.610+2T>G (NM_001256017.2, NM_001083899.2).
Identifiers: ClinVar variation 2019957 (VCV002019957.4), dbSNP rs911861220, ClinGen allele CA407485584.

ClinVar aggregate classification (germline): Likely pathogenic (1 of 4 stars; one submission).

Submission:

Labcorp Genetics (formerly Invitae), Labcorp
Classification: Likely pathogenic. Last evaluated: 2024-04-08. Review status: criteria provided, single submitter. Criteria: Invitae Variant Classification Sherloc (09022015). Collection method: clinical testing. Allele origin: germline.
Comment: This sequence change affects a donor splice site in intron 4 of the GP6 gene. It is expected to disrupt RNA splicing. Variants that disrupt the donor or acceptor splice site typically lead to a loss of protein function (PMID: 16199547), and loss-of-function variants in GP6 are known to be pathogenic (PMID: 16139873, 23815599). This variant is not present in population databases (gnomAD no frequency). This variant has not been reported in the literature in individuals affected with GP6-related conditions. ClinVar contains an entry for this variant (Variation ID: 2019957). Algorithms developed to predict the effect of sequence changes on RNA splicing suggest that this variant may disrupt the consensus splice site. In summary, the currently available evidence indicates that the variant is pathogenic, but additional data are needed to prove that conclusively. Therefore, this variant has been classified as Likely Pathogenic.

Literature cited by the submitters: PubMed 16199547; PubMed 16139873; PubMed 23815599.